The following is an entry in ClinVar:

ClinVar aggregate classification (germline): Uncertain significance. Review status: criteria provided, single submitter (1 of 4 stars). 2 submissions from 2 submitters: Uncertain significance (1). 1 of the submissions does not count toward it. Last evaluated 2022-05-09.

Conditions:
Jeune thoracic dystrophy. Also called: Jeune syndrome; Infantile thoracic dystrophy; Thoracic pelvic phalangeal dystrophy; Jeune's syndrome; Chondroectodermal dysplasia-like syndrome; Short-rib thoracic dysplasia. Identifiers: Orphanet 474, MedGen C0265275, MONDO:0018770.
Retinal dystrophy. Also called: Inherited retinal dystrophy. Identifiers: Orphanet 71862, MedGen C0854723, MeSH D058499, MONDO:0019118, HP:0000556.

Allele frequency attached by ClinVar (database versions not stated): ExAC 0.00001; gnomAD 0.00001; gnomAD exomes 0.00001; TOPMed 0.00001.
gnomAD v4.1: 19 of 1,606,490 alleles (0.0012%); highest among the groups gnomAD compares: Non-Finnish European, 0.0015%; no homozygotes.

Submissions (2):

Labcorp Genetics (formerly Invitae), Labcorp
Classification: Uncertain significance for Jeune thoracic dystrophy. Last evaluated: 2022-05-09. Review status: criteria provided, single submitter. Criteria: Invitae Variant Classification Sherloc (09022015). Collection method: clinical testing. Allele origin: germline.
Comment: This sequence change replaces leucine, which is neutral and non-polar, with arginine, which is basic and polar, at codon 4215 of the DYNC2H1 protein (p.Leu4215Arg). This variant is present in population databases (rs755814368, gnomAD 0.003%). This variant has not been reported in the literature in individuals affected with DYNC2H1-related conditions. Advanced modeling of protein sequence and biophysical properties (such as structural, functional, and spatial information, amino acid conservation, physicochemical variation, residue mobility, and thermodynamic stability) performed at Invitae indicates that this missense variant is not expected to disrupt DYNC2H1 protein function. In summary, the available evidence is currently insufficient to determine the role of this variant in disease. Therefore, it has been classified as a Variant of Uncertain Significance.

Institute of Human Genetics, Univ. Regensburg, Univ. Regensburg
Classification: Uncertain significance for Retinal dystrophy. Last evaluated: 2023-01-01. Review status: no assertion criteria provided. Criteria: ACMG Guidelines, 2015. Collection method: clinical testing. Allele origin: germline. Affected: yes. Not counted in ClinVar's aggregate classification.

NM_001377.3(DYNC2H1):c.12623T>G (p.Leu4208Arg)

Gene: DYNC2H1 (dynein cytoplasmic 2 heavy chain 1; plus strand). Cytogenetic location: 11q22.3.
Variant type: single nucleotide variant.
Coding change: c.12623T>G on transcript NM_001377.3 (MANE Select); coding-DNA position 12623, T replaced by G.
Protein change: p.Leu4208Arg; replaces leucine 4208 with arginine.
Molecular consequence: missense variant.
Genome position (GRCh38, 1-based): chr11:103,456,331, T>G. VCF-style: chr11-103456331-T-G. GRCh37 (hg19) VCF-style: chr11-103327059-T-G.
Other names: c.12644T>G, p.Leu4215Arg (NM_001080463.2); short protein forms L4208R, L4215R.
Identifiers: ClinVar variation 2043803 (VCV002043803.2), dbSNP rs755814368, ClinGen allele CA6255625.
Genomic context (GRCh38, chr11:103,456,331, plus strand): 5'-ACAGGGCAGTGGGTCGTTCTGTGGATAGCCTTAAATTTGTAGCCTCATGGAAAGGTCGAC[T>G]GCAAGAAGCAAAGCTACAAATTAAGGTACTAGACTAATTTTAGATCTTGGAATCTCAGCC-3'
Protein context (NP_001368.2, residues 4198-4218): LKFVASWKGR[Leu4208Arg]QEAKLQIKIS